The following is an entry in ClinVar:

ClinVar aggregate classification (germline): Uncertain significance (1 of 4 stars; one submission).

Conditions:
Melanoma, cutaneous malignant, susceptibility to, 5. Also called: Cutaneous malignant melanoma 5. Identifiers: Orphanet 618, MedGen C2751295, MONDO:0013133, OMIM 613099.

Allele frequency attached by ClinVar (database versions not stated): gnomAD 0.00001; gnomAD exomes 0.00001 and 0.00002; TOPMed 0.00002; ExAC 0.00003.
gnomAD v4.1: 17 of 1,606,950 alleles (0.0011%); highest among the groups gnomAD compares: African/African-American, 0.0067%; no homozygotes.

Submission:

Labcorp Genetics (formerly Invitae), Labcorp
Classification: Uncertain significance for Melanoma, cutaneous malignant, susceptibility to, 5. Last evaluated: 2024-12-06. Review status: criteria provided, single submitter. Criteria: Invitae Variant Classification Sherloc (09022015). Collection method: clinical testing. Allele origin: germline.
Comment: This sequence change replaces valine, which is neutral and non-polar, with isoleucine, which is neutral and non-polar, at codon 188 of the MC1R protein (p.Val188Ile). This variant is present in population databases (rs774680166, gnomAD 0.007%). This missense change has been observed in individual(s) with melanoma (PMID: 23522749). ClinVar contains an entry for this variant (Variation ID: 1386057). Invitae Evidence Modeling of protein sequence and biophysical properties (such as structural, functional, and spatial information, amino acid conservation, physicochemical variation, residue mobility, and thermodynamic stability) indicates that this missense variant is not expected to disrupt MC1R protein function with a negative predictive value of 80%. Experimental studies have shown that this missense change does not substantially affect MC1R function (PMID: 23522749). In summary, the available evidence is currently insufficient to determine the role of this variant in disease. Therefore, it has been classified as a Variant of Uncertain Significance.

Literature cited by the submitters: PubMed 23522749.

NM_002386.4(MC1R):c.562G>A (p.Val188Ile)

Gene: MC1R (melanocortin 1 receptor; plus strand). Cytogenetic location: 16q24.3.
Variant type: single nucleotide variant.
Coding change: c.562G>A on transcript NM_002386.4 (MANE Select); coding-DNA position 562, G replaced by A.
Protein change: p.Val188Ile; replaces valine 188 with isoleucine.
Molecular consequence: missense variant.
Genome position (GRCh38, 1-based): chr16:89,919,820, G>A. VCF-style: chr16-89919820-G-A. GRCh37 (hg19) VCF-style: chr16-89986228-G-A.
Other names: short protein forms V188I.
Identifiers: ClinVar variation 1386057 (VCV001386057.8), dbSNP rs774680166, ClinGen allele CA8255664.